The following is an entry in ClinVar:

ClinVar aggregate classification (germline): Uncertain significance (1 of 4 stars; one submission).

Submission:

Labcorp Genetics (formerly Invitae), Labcorp
Classification: Uncertain significance. Last evaluated: 2024-11-11. Review status: criteria provided, single submitter. Criteria: Invitae Variant Classification Sherloc (09022015). Collection method: clinical testing. Allele origin: germline.
Comment: This sequence change replaces leucine, which is neutral and non-polar, with isoleucine, which is neutral and non-polar, at codon 299 of the CHM protein (p.Leu299Ile). This variant is not present in population databases (gnomAD no frequency). This variant has not been reported in the literature in individuals affected with CHM-related conditions. ClinVar contains an entry for this variant (Variation ID: 2097153). Invitae Evidence Modeling of protein sequence and biophysical properties (such as structural, functional, and spatial information, amino acid conservation, physicochemical variation, residue mobility, and thermodynamic stability) indicates that this missense variant is not expected to disrupt CHM protein function with a negative predictive value of 80%. In summary, the available evidence is currently insufficient to determine the role of this variant in disease. Therefore, it has been classified as a Variant of Uncertain Significance.

NM_000390.4(CHM):c.895C>A (p.Leu299Ile)

Gene: CHM (CHM Rab escort protein; minus strand). Cytogenetic location: Xq21.2.
Variant type: single nucleotide variant.
Coding change: c.895C>A on transcript NM_000390.4 (MANE Select); coding-DNA position 895, C replaced by A.
Protein change: p.Leu299Ile; replaces leucine 299 with isoleucine.
Molecular consequence: missense variant.
Genome position (GRCh38, 1-based): chrX:85,957,900, G>T on the plus strand (C>A on the coding strand, the complement: CHM is on the minus strand). VCF-style: chrX-85957900-G-T. GRCh37 (hg19) VCF-style: chrX-85212905-G-T.
Other names: c.451C>A, p.Leu151Ile (NM_001320959.1, NM_001362517.1, NM_001362518.2 and 1 more transcripts); short protein forms L151I, L299I.
Identifiers: ClinVar variation 2097153 (VCV002097153.3), dbSNP rs2520257687, ClinGen allele CA413785754.